The following is an entry in ClinVar:

ClinVar aggregate classification (germline): Uncertain significance (1 of 4 stars; one submission).

Submission:

GeneDx
Classification: Uncertain significance. Last evaluated: 2022-02-28. Review status: criteria provided, single submitter. Criteria: GeneDx Variant Classification Process June 2021. Collection method: clinical testing. Allele origin: germline. Affected: yes.
Comment: Not observed at significant frequency in large population cohorts (gnomAD); In silico analysis supports that this missense variant has a deleterious effect on protein structure/function; Has not been previously published as pathogenic or benign to our knowledge

NM_181672.3(OGT):c.412G>A (p.Asp138Asn)

Gene: OGT (O-linked N-acetylglucosamine (GlcNAc) transferase; plus strand). Cytogenetic location: Xq13.1.
Variant type: single nucleotide variant.
Coding change: c.412G>A on transcript NM_181672.3 (MANE Select); coding-DNA position 412, G replaced by A.
Protein change: p.Asp138Asn; replaces aspartic acid 138 with asparagine.
Molecular consequence: missense variant.
Genome position (GRCh38, 1-based): chrX:71,538,022, G>A. VCF-style: chrX-71538022-G-A. GRCh37 (hg19) VCF-style: chrX-70757872-G-A.
Other names: c.382G>A, p.Asp128Asn (NM_181673.3); short protein forms D128N, D138N.
Identifiers: ClinVar variation 3253494 (VCV003253494.1), dbSNP rs2522818516.